The following is an entry in ClinVar:

ClinVar aggregate classification (germline): Uncertain significance (1 of 4 stars; one submission).

Conditions:
SDCCAG8-related disorder. Also called: SDCCAG8-Related Disorders; SDCCAG8-related condition.

Submission:

PreventionGenetics, part of Exact Sciences
Classification: Uncertain significance for SDCCAG8-related condition. Last evaluated: 2024-12-10. Review status: criteria provided, single submitter. Criteria: ACMG Guidelines, 2015. Collection method: clinical testing. Allele origin: germline.
Comment: The SDCCAG8 c.1865C>T variant is predicted to result in the amino acid substitution p.Ala622Val. To our knowledge, this variant has not been reported in the literature. This variant is reported in 0.00088% of alleles in individuals of European (Non-Finnish) descent in gnomAD. At this time, the clinical significance of this variant is uncertain due to the absence of conclusive functional and genetic evidence.

NM_006642.5(SDCCAG8):c.1865C>T (p.Ala622Val)

Gene: SDCCAG8 (SHH signaling and ciliogenesis regulator SDCCAG8; plus strand). Cytogenetic location: 1q43.
Variant type: single nucleotide variant.
Coding change: c.1865C>T on transcript NM_006642.5 (MANE Select); coding-DNA position 1865, C replaced by T.
Protein change: p.Ala622Val; replaces alanine 622 with valine.
Molecular consequence: missense variant.
Genome position (GRCh38, 1-based): chr1:243,426,438, C>T. VCF-style: chr1-243426438-C-T. GRCh37 (hg19) VCF-style: chr1-243589740-C-T.
Other names: c.962C>T, p.Ala321Val (NM_001350246.2, NM_001350247.2, NM_001350251.2); c.1961C>T, p.Ala654Val (NM_001350248.2); c.1571C>T, p.Ala524Val (NM_001350249.2); short protein forms A524V, A654V, A321V, A622V.
Identifiers: ClinVar variation 5001094 (VCV005001094.1).
Genomic context (GRCh38, chr1:243,426,438, plus strand): 5'-TAGTAATAAGAACTTCTAACATCTATTATTTTTGTGTTTTCACCTCTAGATCTGAAATAG[C>T]TCAACTCAGTCAAGAAAAAAGGTATACATATGATAAATTGGGAAAGTTACAGAGAAGAAA-3'
Protein context (NP_006633.1, residues 612-632): QISQKTRSEI[Ala622Val]QLSQEKRYTY